The following is an entry in ClinVar:

ClinVar aggregate classification (germline): Conflicting classifications of pathogenicity. Review status: criteria provided, conflicting classifications (1 of 4 stars). 2 submissions from 2 submitters: Uncertain significance (1); Likely benign (1). Last evaluated 2026-01-08.

Conditions:
Cardiovascular phenotype. Identifiers: MedGen CN230736.
Alstrom syndrome (ALMS). Identifiers: Orphanet 64, MedGen C0268425, MONDO:0008763, OMIM 203800.

Submissions (2):

Ambry Genetics
Classification: Likely benign for Cardiovascular phenotype. Last evaluated: 2026-01-08. Review status: criteria provided, single submitter. Criteria: Ambry Variant Classification Scheme 2023. Collection method: clinical testing. Allele origin: germline.

Labcorp Genetics (formerly Invitae), Labcorp
Classification: Uncertain significance for Alstrom syndrome. Last evaluated: 2025-02-12. Review status: criteria provided, single submitter. Criteria: Invitae Variant Classification Sherloc (09022015). Collection method: clinical testing. Allele origin: germline.
Comment: This sequence change replaces threonine, which is neutral and polar, with isoleucine, which is neutral and non-polar, at codon 1308 of the ALMS1 protein (p.Thr1308Ile). This variant is not present in population databases (gnomAD no frequency). This variant has not been reported in the literature in individuals affected with ALMS1-related conditions. ClinVar contains an entry for this variant (Variation ID: 1938827). Experimental studies and prediction algorithms are not available or were not evaluated, and the functional significance of this variant is currently unknown. In summary, the available evidence is currently insufficient to determine the role of this variant in disease. Therefore, it has been classified as a Variant of Uncertain Significance.

NM_001378454.1(ALMS1):c.3920C>T (p.Thr1307Ile)

Gene: ALMS1 (ALMS1 centrosome and basal body associated protein; plus strand). Cytogenetic location: 2p13.1.
Variant type: single nucleotide variant.
Coding change: c.3920C>T on transcript NM_001378454.1 (MANE Select); coding-DNA position 3920, C replaced by T.
Protein change: p.Thr1307Ile; replaces threonine 1307 with isoleucine.
Molecular consequence: missense variant.
Genome position (GRCh38, 1-based): chr2:73,450,447, C>T. VCF-style: chr2-73450447-C-T. GRCh37 (hg19) VCF-style: chr2-73677574-C-T.
Other names: c.3923C>T, p.Thr1308Ile (NM_015120.4); short protein forms T1308I, T1307I.
Identifiers: ClinVar variation 1938827 (VCV001938827.6), dbSNP rs2466099902, ClinGen allele CA347277081.
Genomic context (GRCh38, chr2:73,450,447, plus strand): 5'-CACAATATAGAGAGAAGCCCAGCATTTTCTACCAACAGTCGTTGCCAAGTAGTCATCTAA[C>T]TGAAGAGGCTAAGAATGTTTCAGCGGTTCCTGGACCAGCTGACCAGAAGACTGTGATACC-3'
Protein context (NP_001365383.1, residues 1297-1317): YQQSLPSSHL[Thr1307Ile]EEAKNVSAVP